The following is an entry in ClinVar:

ClinVar aggregate classification (germline): Pathogenic (1 of 4 stars; one submission).

Conditions:
Glycogen storage disease IXa1. Also called: LIVER GLYCOGENOSIS, X-LINKED, TYPE I; GLYCOGEN STORAGE DISEASE VIII; GSD VIII; Glycogen storage disease 8. Identifiers: Orphanet 264580, MedGen C3694531, MONDO:0010598, OMIM 306000.

Submission:

Labcorp Genetics (formerly Invitae), Labcorp
Classification: Pathogenic for Glycogen storage disease IXa1. Last evaluated: 2017-11-08. Review status: criteria provided, single submitter. Criteria: Invitae Variant Classification Sherloc (09022015). Collection method: clinical testing. Allele origin: germline.
Comment: For these reasons, this variant has been classified as Pathogenic. This variant is a gross deletion of the genomic region encompassing part of exon 18 of the PHKA2 gene, including the intron 17-exon 18 boundary (c.1794-8_1812del). This likely creates a premature translational stop signal and is expected to result in an absent or disrupted protein product. This variant is not present in population databases (ExAC no frequency). This variant has not been reported in the literature in individuals with PHKA2-related disease. Loss-of-function variants in PHKA2 are known to be pathogenic (PMID: 7711737, 10330341).

Literature cited by the submitters: PubMed 7711737; PubMed 10330341.

NM_000292.3(PHKA2):c.1794-8_1812del

Gene: PHKA2 (phosphorylase kinase regulatory subunit alpha 2; minus strand). Cytogenetic location: Xp22.13.
Variant type: Deletion.
Coding change: c.1794-8_1812del on transcript NM_000292.3 (MANE Select); 8 bases into the intron before coding-DNA position 1794 through coding-DNA position 1812, 27 bases deleted (CTTGGCAGAGTAAAATTAGGGAACCTT).
Molecular consequence: splice acceptor variant.
Genome position (GRCh38, 1-based): chrX:18,920,183-18,920,209, AAGGTTCCCTAATTTTACTCTGCCAAG deleted on the plus strand (CTTGGCAGAGTAAAATTAGGGAACCTT on the coding strand, the reverse complement: PHKA2 is on the minus strand); deleting any 27 consecutive bases within chrX:18,920,183-18,920,212 gives the same sequence; the c. name uses the placement nearest the transcript's 3' end. VCF-style (leftmost placement, unchanged base first): chrX-18920182-AAAGGTTCCCTAATTTTACTCTGCCAAG-A. GRCh37 (hg19) VCF-style: chrX-18938300-AAAGGTTCCCTAATTTTACTCTGCCAAG-A.
Other names: c.1794-8_1812delCTTGGCAGAGTAAAATTAGGGAACCTT (NM_000292.2).
Identifiers: ClinVar variation 526623 (VCV000526623.8), dbSNP rs1556000892, ClinGen allele CA658799599.